The following is an entry in ClinVar:

ClinVar aggregate classification (germline): Conflicting classifications of pathogenicity. Review status: criteria provided, conflicting classifications (1 of 4 stars). 4 submissions from 4 submitters: Likely pathogenic (2); Uncertain significance (2). Last evaluated 2026-02-05.

Conditions:
Deficiency of alpha-mannosidase (MANSA). Also called: Mannosidosis, alpha-, types I and II; Alpha-Mannosidosis; LYSOSOMAL ALPHA-D-MANNOSIDASE DEFICIENCY. Identifiers: Orphanet 61, MedGen C0024748, MONDO:0009561, OMIM 248500.

Allele frequency attached by ClinVar (database versions not stated): TOPMed 0.00001.

Submissions (4):

Myriad Genetics, Inc.
Classification: Uncertain significance for Deficiency of alpha-mannosidase. Last evaluated: 2026-02-05. Review status: criteria provided, single submitter. Criteria: Myriad Autosomal Dominant, Autosomal Recessive and X-Linked Classification Criteria (2023). Collection method: clinical testing. Allele origin: unknown.
Comment: NM_000528.3(MAN2B1):c.2744T>C(L915P) is a missense variant classified as a variant of uncertain significance in the context of alpha-mannosidosis. L915P has not been observed in cases with relevant disease. Relevant functional assessments of this variant are not available in the literature. L915P has not been observed in referenced population frequency databases. In summary, there is insufficient evidence to classify NM_000528.3(MAN2B1):c.2744T>C(L915P) as pathogenic or benign. Please note: this variant was assessed in the context of healthy population screening.

Women's Health and Genetics/Laboratory Corporation of America, LabCorp
Classification: Uncertain significance. Last evaluated: 2024-04-02. Review status: criteria provided, single submitter. Criteria: LabCorp Variant Classification Summary - May 2015. Collection method: clinical testing. Allele origin: germline.
Comment: Variant summary: MAN2B1 c.2744T>C (p.Leu915Pro) results in a non-conservative amino acid change located in the Glycosyl hydrolases family 38, C-terminal beta sandwich domain of the encoded protein sequence. Five of five in-silico tools predict a damaging effect of the variant on protein function. The variant was absent in 250580 control chromosomes. The available data on variant occurrences in the general population are insufficient to allow any conclusion about variant significance. To our knowledge, no occurrence of c.2744T>C in individuals affected with Alpha-Mannosidosis and no experimental evidence demonstrating its impact on protein function have been reported. ClinVar contains an entry for this variant (Variation ID: 546171). Based on the evidence outlined above, the variant was classified as uncertain significance.

GeneDx
Classification: Likely pathogenic. Last evaluated: 2023-03-27. Review status: criteria provided, single submitter. Criteria: GeneDx Variant Classification Process June 2021. Collection method: clinical testing. Allele origin: germline. Affected: yes.
Comment: Not observed in large population cohorts (gnomAD); In silico analysis supports that this missense variant has a deleterious effect on protein structure/function; Has not been previously published as pathogenic or benign to our knowledge

Genome-Nilou Lab
Classification: Likely pathogenic for Deficiency of alpha-mannosidase. Last evaluated: 2021-09-05. Review status: criteria provided, single submitter. Criteria: ACMG Guidelines, 2015. Collection method: clinical testing. Allele origin: germline. Affected: no.

NM_000528.4(MAN2B1):c.2744T>C (p.Leu915Pro)

Genes: MAN2B1 (mannosidase alpha class 2B member 1; minus strand), LOC130063648 (ATAC-STARR-seq lymphoblastoid active region 14063; plus strand). Cytogenetic location: 19p13.13.
Variant type: single nucleotide variant.
Coding change: c.2744T>C on transcript NM_000528.4 (MANE Select); coding-DNA position 2744, T replaced by C.
Protein change: p.Leu915Pro; replaces leucine 915 with proline.
Molecular consequence: missense variant.
Genome position (GRCh38, 1-based): chr19:12,647,519, A>G on the plus strand (T>C on the coding strand, the complement: MAN2B1 is on the minus strand). VCF-style: chr19-12647519-A-G. GRCh37 (hg19) VCF-style: chr19-12758333-A-G.
Other names: c.2741T>C, p.Leu914Pro (NM_001173498.2); short protein forms L915P, L914P.
Identifiers: ClinVar variation 546171 (VCV000546171.9), dbSNP rs1555706137, ClinGen allele CA404237936.